The following is an entry in ClinVar:

ClinVar aggregate classification (germline): Likely pathogenic (1 of 4 stars; one submission).

Conditions:
Autosomal recessive nonsyndromic hearing loss 2. Also called: NEUROSENSORY NONSYNDROMIC RECESSIVE DEAFNESS 2; DEAFNESS, AUTOSOMAL RECESSIVE 2. Identifiers: Orphanet 90636, MedGen C1838701, MONDO:0010807, OMIM 600060.

Submission:

Institute of Rare Diseases, West China Hospital, Sichuan University
Classification: Likely pathogenic for Autosomal recessive nonsyndromic hearing loss 2. Last evaluated: 2025-01-09. Review status: criteria provided, single submitter. Criteria: ClinGen HL ACMG Specifications v1. Collection method: research. Allele origin: germline. Affected: yes.
Comment: PVS1;PM2_Supporting

NM_000260.4(MYO7A):c.2884C>T (p.Gln962Ter)

Gene: MYO7A (myosin VIIA; plus strand). Cytogenetic location: 11q13.5.
Variant type: single nucleotide variant.
Coding change: c.2884C>T on transcript NM_000260.4 (MANE Select); coding-DNA position 2884, C replaced by T.
Protein change: p.Gln962Ter; replaces glutamine 962 with a stop codon.
Molecular consequence: nonsense.
Genome position (GRCh38, 1-based): chr11:77,181,569, C>T. VCF-style: chr11-77181569-C-T. GRCh37 (hg19) VCF-style: chr11-76892615-C-T.
Other names: c.2884C>T, p.Gln962Ter (NM_001127180.2); c.2851C>T, p.Gln951Ter (NM_001369365.1); short protein forms Q951*, Q962*.
Identifiers: ClinVar variation 3601467 (VCV003601467.1).